The following is an entry in ClinVar:

NM_001401501.2(MUC16):c.36385+5G>A

Gene: MUC16 (mucin 16, cell surface associated; minus strand). Cytogenetic location: 19p13.2.
Variant type: single nucleotide variant.
Coding change: c.36385+5G>A on transcript NM_001401501.2 (MANE Select); 5 bases into the intron after coding-DNA position 36385, G replaced by A.
Molecular consequence: intron variant.
Genome position (GRCh38, 1-based): chr19:8,927,396, C>T on the plus strand (G>A on the coding strand, the complement: MUC16 is on the minus strand). VCF-style: chr19-8927396-C-T. GRCh37 (hg19) VCF-style: chr19-9038072-C-T.
Other names: c.36811+5G>A (NM_001414686.1); c.36265+5G>A (NM_001414687.1); c.36199+5G>A (NM_024690.2).
Identifiers: ClinVar variation 3351812 (VCV003351812.1).

ClinVar aggregate classification (germline): Likely benign (0 of 4 stars; one submission).

Conditions:
MUC16-related disorder. Also called: MUC16-related condition.

Submission:

PreventionGenetics, part of Exact Sciences
Classification: Likely benign for MUC16-related condition. Last evaluated: 2019-07-10. Review status: no assertion criteria provided. Collection method: clinical testing. Allele origin: germline.
Comment: This variant is classified as likely benign based on ACMG/AMP sequence variant interpretation guidelines (Richards et al. 2015 PMID: 25741868, with internal and published modifications).